The following is an entry in ClinVar:

NM_182961.4(SYNE1):c.3493C>T (p.Arg1165Cys)

Gene: SYNE1 (spectrin repeat containing nuclear envelope protein 1; minus strand). Cytogenetic location: 6q25.2.
Variant type: single nucleotide variant.
Coding change: c.3493C>T on transcript NM_182961.4 (MANE Select); coding-DNA position 3493, C replaced by T.
Protein change: p.Arg1165Cys; replaces arginine 1165 with cysteine.
Molecular consequence: missense variant.
Genome position (GRCh38, 1-based): chr6:152,449,544, G>A on the plus strand (C>T on the coding strand, the complement: SYNE1 is on the minus strand). VCF-style: chr6-152449544-G-A. GRCh37 (hg19) VCF-style: chr6-152770679-G-A.
Other names: c.3514C>T, p.Arg1172Cys (NM_033071.5); short protein forms R1165C, R1172C.
Identifiers: ClinVar variation 618406 (VCV000618406.11), dbSNP rs777507702, ClinGen allele CA4058834.

ClinVar aggregate classification (germline): Uncertain significance. Review status: criteria provided, multiple submitters, no conflicts (2 of 4 stars). 2 submissions from 2 submitters: Uncertain significance (2). Last evaluated 2020-01-29.

Allele frequency attached by ClinVar (database versions not stated): ExAC 0.00002; gnomAD exomes 0.00002 and 0.00004; gnomAD 0.00003 and 0.00004; TOPMed 0.00004.
gnomAD v4.1: 36 of 1,613,452 alleles (0.0022%); highest among the groups gnomAD compares: Non-Finnish European, 0.0012%; no homozygotes.

Submissions (2):

Revvity Omics, Revvity
Classification: Uncertain significance. Last evaluated: 2020-01-29. Review status: criteria provided, single submitter. Criteria: ACMG Guidelines, 2015. Collection method: clinical testing. Allele origin: germline.

ARUP Laboratories, Molecular Genetics and Genomics, ARUP Laboratories
Classification: Uncertain significance. Last evaluated: 2017-07-21. Review status: criteria provided, single submitter. Criteria: ARUP Molecular Germline Variant Investigation Process. Collection method: clinical testing. Allele origin: germline.
Comment: The p.Arg1172Cys variant (rs777507702) has not been reported in the medical literature, gene specific variation databases, nor has it been previously identified by our laboratory. This variant is listed in the Genome Aggregation Database (gnomAD) with an overall population frequency of 0.004 percent (identified on 11 out of 246,254 chromosomes). The arginine at position 1172 is weakly conserved considering twelve species (Alamut v2.9.0), and computational analyses of the p.Arg1172Cys variant on protein structure and function indicates no deleterious effect (SIFT: tolerated, MutationTaster: polymorphism, PolyPhen-2: benign). Altogether, there is not enough evidence to classify the p.Arg1172Cys variant with certainty.